The following is an entry in ClinVar:

ClinVar aggregate classification (germline): Uncertain significance. Review status: criteria provided, multiple submitters, no conflicts (2 of 4 stars). 2 submissions from 2 submitters: Uncertain significance (2). Last evaluated 2024-12-09.

gnomAD v4.1: 7 of 1,613,844 alleles (0.00043%); highest among the groups gnomAD compares: Non-Finnish European, 0.00059%; no homozygotes.

Submissions (2):

Labcorp Genetics (formerly Invitae), Labcorp
Classification: Uncertain significance. Last evaluated: 2024-12-09. Review status: criteria provided, single submitter. Criteria: Invitae Variant Classification Sherloc (09022015). Collection method: clinical testing. Allele origin: germline.
Comment: This sequence change replaces arginine, which is basic and polar, with histidine, which is basic and polar, at codon 173 of the MTOR protein (p.Arg173His). The frequency data for this variant in the population databases is considered unreliable, as metrics indicate poor data quality at this position in the gnomAD database. This variant has not been reported in the literature in individuals affected with MTOR-related conditions. Invitae Evidence Modeling of protein sequence and biophysical properties (such as structural, functional, and spatial information, amino acid conservation, physicochemical variation, residue mobility, and thermodynamic stability) indicates that this missense variant is not expected to disrupt MTOR protein function with a negative predictive value of 95%. In summary, the available evidence is currently insufficient to determine the role of this variant in disease. Therefore, it has been classified as a Variant of Uncertain Significance.

GeneDx
Classification: Uncertain significance. Last evaluated: 2024-11-08. Review status: criteria provided, single submitter. Criteria: GeneDx Variant Classification Process June 2021. Collection method: clinical testing. Allele origin: germline.
Comment: Not observed at significant frequency in large population cohorts (gnomAD); In silico analysis supports that this missense variant has a deleterious effect on protein structure/function; Has not been previously published as pathogenic or benign to our knowledge

NM_004958.4(MTOR):c.518G>A (p.Arg173His)

Gene: MTOR (mechanistic target of rapamycin kinase; minus strand). Cytogenetic location: 1p36.22.
Variant type: single nucleotide variant.
Coding change: c.518G>A on transcript NM_004958.4 (MANE Select); coding-DNA position 518, G replaced by A.
Protein change: p.Arg173His; replaces arginine 173 with histidine.
Molecular consequence: missense variant. On other transcripts: 5 prime UTR variant (1).
Genome position (GRCh38, 1-based): chr1:11,256,179, C>T on the plus strand (G>A on the coding strand, the complement: MTOR is on the minus strand). VCF-style: chr1-11256179-C-T. GRCh37 (hg19) VCF-style: chr1-11316236-C-T.
Other names: c.518G>A, p.Arg173His (NM_001386500.1); c.-622G>A (NM_001386501.1); short protein forms R173H.
Identifiers: ClinVar variation 3365109 (VCV003365109.4).